The following is an entry in ClinVar:

ClinVar aggregate classification (germline): Uncertain significance. Review status: criteria provided, multiple submitters, no conflicts (2 of 4 stars). 3 submissions from 3 submitters: Uncertain significance (3). Last evaluated 2025-10-01.

Conditions:
Hereditary cancer-predisposing syndrome. Also called: Neoplastic Syndromes, Hereditary; Tumor predisposition; Hereditary Cancer Syndrome; Hereditary neoplastic syndrome. Identifiers: Orphanet 140162, MedGen C0027672, MeSH D009386, MONDO:0015356.
Neurofibromatosis, type 2 (SWNV). Also called: BILATERAL ACOUSTIC NEUROFIBROMATOSIS; SCHWANNOMATOSIS, VESTIBULAR; NF2-Related Schwannomatosis. Identifiers: Orphanet 637, MedGen C0027832, MONDO:0007039, OMIM 101000. Disease mechanism: loss of function.

Submissions (3):

Ambry Genetics
Classification: Uncertain significance for Hereditary cancer-predisposing syndrome. Last evaluated: 2025-10-01. Review status: criteria provided, single submitter. Criteria: Ambry Variant Classification Scheme 2023. Collection method: clinical testing. Allele origin: germline.
Comment: The p.M345L variant (also known as c.1033A>T), located in coding exon 11 of the NF2 gene, results from an A to T substitution at nucleotide position 1033. The methionine at codon 345 is replaced by leucine, an amino acid with highly similar properties. This amino acid position is conserved. In addition, this alteration is predicted to be tolerated by in silico analysis. Based on the available evidence, the clinical significance of this variant remains unclear.

Color Diagnostics, LLC DBA Color Health
Classification: Uncertain significance for Neurofibromatosis, type 2. Last evaluated: 2025-08-22. Review status: criteria provided, single submitter. Criteria: ACMG Guidelines, 2015. Collection method: clinical testing. Allele origin: germline.
Comment: This missense variant replaces methionine with leucine at codon 345 of the NF2 protein. Computational prediction suggests that this variant may not impact protein structure and function. To our knowledge, functional studies have not been reported for this variant. This variant has not been reported in individuals affected with NF2-related disorders in the literature. This variant has not been identified in the general population by the Genome Aggregation Database (gnomAD). The available evidence is insufficient to determine the role of this variant in disease conclusively. Therefore, this variant is classified as a Variant of Uncertain Significance.

Labcorp Genetics (formerly Invitae), Labcorp
Classification: Uncertain significance for Neurofibromatosis, type 2. Last evaluated: 2024-05-13. Review status: criteria provided, single submitter. Criteria: Invitae Variant Classification Sherloc (09022015). Collection method: clinical testing. Allele origin: germline.
Comment: This sequence change replaces methionine, which is neutral and non-polar, with leucine, which is neutral and non-polar, at codon 345 of the NF2 protein (p.Met345Leu). This variant is not present in population databases (gnomAD no frequency). This variant has not been reported in the literature in individuals affected with NF2-related conditions. Advanced modeling of protein sequence and biophysical properties (such as structural, functional, and spatial information, amino acid conservation, physicochemical variation, residue mobility, and thermodynamic stability) performed at Invitae indicates that this missense variant is not expected to disrupt NF2 protein function with a negative predictive value of 80%. In summary, the available evidence is currently insufficient to determine the role of this variant in disease. Therefore, it has been classified as a Variant of Uncertain Significance.

NM_000268.4(NF2):c.1033A>T (p.Met345Leu)

Gene: NF2 (NF2, moesin-ezrin-radixin like (MERLIN) tumor suppressor; plus strand). Cytogenetic location: 22q12.2.
Variant type: single nucleotide variant.
Coding change: c.1033A>T on transcript NM_000268.4 (MANE Select); coding-DNA position 1033, A replaced by T.
Protein change: p.Met345Leu; replaces methionine 345 with leucine.
Molecular consequence: missense variant. On other transcripts: intron variant (1).
Genome position (GRCh38, 1-based): chr22:29,671,859, A>T. VCF-style: chr22-29671859-A-T. GRCh37 (hg19) VCF-style: chr22-30067848-A-T.
Other names: c.919A>T, p.Met307Leu (NM_001407053.1, NM_001407056.1); c.910A>T, p.Met304Leu (NM_001407054.1, NM_001407058.1, NM_181829.3); c.907A>T, p.Met303Leu (NM_001407055.1, NM_181828.3); c.898A>T, p.Met300Leu (NM_001407057.1, NM_001407059.1); c.1033A>T, p.Met345Leu (NM_001407060.1, NM_001407066.1, NM_016418.5 and 2 more transcripts); c.775A>T, p.Met259Leu (NM_001407062.1); c.784A>T, p.Met262Leu (NM_001407063.1, NM_001407064.1, NM_181830.3 and 1 more transcripts); c.499A>T, p.Met167Leu (NM_001407065.1); and 2 more; short protein forms M259L, M262L, M303L, M167L, M300L, M345L, M268L, M307L.
Identifiers: ClinVar variation 3712079 (VCV003712079.4).